The following is an entry in ClinVar:

NM_001458.5(FLNC):c.4081G>T (p.Glu1361Ter)

Gene: FLNC (filamin C; plus strand). Cytogenetic location: 7q32.1.
Variant type: single nucleotide variant.
Coding change: c.4081G>T on transcript NM_001458.5 (MANE Select); coding-DNA position 4081, G replaced by T.
Protein change: p.Glu1361Ter; replaces glutamic acid 1361 with a stop codon.
Molecular consequence: nonsense.
Genome position (GRCh38, 1-based): chr7:128,846,417, G>T. VCF-style: chr7-128846417-G-T. GRCh37 (hg19) VCF-style: chr7-128486471-G-T.
Other names: c.4081G>T, p.Glu1361Ter (NM_001127487.2); short protein forms E1361*.
Identifiers: ClinVar variation 3754391 (VCV003754391.2).

ClinVar aggregate classification (germline): Pathogenic (1 of 4 stars; one submission).

Conditions:
Myofibrillar myopathy 5. Also called: Filaminopathy (type); FILAMINOPATHY, AUTOSOMAL DOMINANT. Identifiers: Orphanet 171445, MedGen C1836050, MONDO:0012289, OMIM 609524.
Distal myopathy with posterior leg and anterior hand involvement. Also called: WILLIAMS DISTAL MYOPATHY. Identifiers: Orphanet 63273, MedGen C3279722, MONDO:0013550, OMIM 614065.
Hypertrophic cardiomyopathy 26. Also called: Cardiomyopathy, familial hypertrophic, 26. Identifiers: Orphanet 75249, MedGen C4310749, MONDO:0014883, OMIM 617047.

Submission:

Labcorp Genetics (formerly Invitae), Labcorp
Classification: Pathogenic for Distal myopathy with posterior leg and anterior hand involvement; Myofibrillar myopathy 5; Hypertrophic cardiomyopathy 26. Last evaluated: 2024-02-03. Review status: criteria provided, single submitter. Criteria: Invitae Variant Classification Sherloc (09022015). Collection method: clinical testing. Allele origin: germline.
Comment: This sequence change creates a premature translational stop signal (p.Glu1361*) in the FLNC gene. It is expected to result in an absent or disrupted protein product. Loss-of-function variants in FLNC are known to be pathogenic (PMID: 27908349). This variant is not present in population databases (gnomAD no frequency). This variant has not been reported in the literature in individuals affected with FLNC-related conditions. For these reasons, this variant has been classified as Pathogenic.

Literature cited by the submitters: PubMed 27908349.